The following is an entry in ClinVar:

NM_144508.5(KNL1):c.75+6A>G

Gene: KNL1 (kinetochore scaffold 1; plus strand). Cytogenetic location: 15q15.1.
Variant type: single nucleotide variant.
Coding change: c.75+6A>G on transcript NM_144508.5 (MANE Select); 6 bases into the intron after coding-DNA position 75, A replaced by G.
Molecular consequence: intron variant.
Genome position (GRCh38, 1-based): chr15:40,605,155, A>G. VCF-style: chr15-40605155-A-G. GRCh37 (hg19) VCF-style: chr15-40897353-A-G.
Other names: c.75+6A>G (NM_170589.5).
Identifiers: ClinVar variation 315841 (VCV000315841.51), dbSNP rs201311057, ClinGen allele CA7482346.

ClinVar aggregate classification (germline): Conflicting classifications of pathogenicity. Review status: criteria provided, conflicting classifications (1 of 4 stars). 4 submissions from 4 submitters: Uncertain significance (1); Likely benign (3). Last evaluated 2024-12-01.

Conditions:
Microcephaly 4, primary, autosomal recessive. Identifiers: Orphanet 2512, MedGen C1858516, MONDO:0011437, OMIM 604321.

Allele frequency attached by ClinVar (database versions not stated): 1000 Genomes Project 30x 0.00031; 1000 Genomes Project 0.00040; ExAC 0.00078; gnomAD 0.00079 and 0.00084; TOPMed 0.00079; ESP Exome Variant Server 0.00085; gnomAD exomes 0.00088 and 0.00099.
gnomAD v4.1: 1,380 of 1,441,882 alleles (0.096%); highest among the groups gnomAD compares: Admixed American, 0.12%; 2 homozygotes.

Submissions (4):

CeGaT Center for Human Genetics Tuebingen
Classification: Likely benign. Last evaluated: 2024-12-01. Review status: criteria provided, single submitter. Criteria: CeGaT Center For Human Genetics Tuebingen Variant Classification Criteria Version 2. Collection method: clinical testing. Allele origin: germline. Affected: yes. Observed: 6 variant alleles.
Comment: KNL1: BP4, BS2

Blueprint Genetics
Classification: Likely benign. Last evaluated: 2024-11-23. Review status: criteria provided, single submitter. Criteria: ACMG Guidelines, 2015. Collection method: clinical testing. Allele origin: germline.

GeneDx
Classification: Likely benign. Last evaluated: 2019-08-05. Review status: criteria provided, single submitter. Criteria: GeneDx Variant Classification Process June 2021. Collection method: clinical testing. Allele origin: germline. Affected: yes.

Illumina Laboratory Services, Illumina
Classification: Uncertain significance for Microcephaly 4, primary, autosomal recessive. Last evaluated: 2018-01-12. Review status: criteria provided, single submitter. Criteria: ICSL Variant Classification Criteria 13 December 2019. Collection method: clinical testing. Allele origin: germline.